The following is an entry in ClinVar:

NM_000384.3(APOB):c.11822T>C (p.Leu3941Ser)

Gene: APOB (apolipoprotein B; minus strand). Cytogenetic location: 2p24.1.
Variant type: single nucleotide variant.
Coding change: c.11822T>C on transcript NM_000384.3 (MANE Select); coding-DNA position 11822, T replaced by C.
Protein change: p.Leu3941Ser; replaces leucine 3941 with serine.
Molecular consequence: missense variant.
Genome position (GRCh38, 1-based): chr2:21,004,642, A>G on the plus strand (T>C on the coding strand, the complement: APOB is on the minus strand). VCF-style: chr2-21004642-A-G. GRCh37 (hg19) VCF-style: chr2-21227514-A-G.
Other names: short protein forms L3941S.
Identifiers: ClinVar variation 2920870 (VCV002920870.1), dbSNP rs2465355040, ClinGen allele CA345976709.

ClinVar aggregate classification (germline): Uncertain significance (1 of 4 stars; one submission).

Allele frequency attached by ClinVar (database versions not stated): gnomAD exomes 0.00001.
gnomAD v4.1: 7 of 1,613,922 alleles (0.00043%); highest among the groups gnomAD compares: Non-Finnish European, 0.00059%; no homozygotes.

Submission:

ARUP Laboratories, Molecular Genetics and Genomics, ARUP Laboratories
Classification: Uncertain significance. Last evaluated: 2023-02-10. Review status: criteria provided, single submitter. Criteria: ARUP Molecular Germline Variant Investigation Process 2024. Collection method: clinical testing. Allele origin: germline.
Comment: The APOB c.11822T>C; p.Leu3941Ser variant, to our knowledge, is not reported in the medical literature or gene specific databases. This variant is also absent from the Genome Aggregation Database, indicating it is not a common polymorphism. Computational analyses are uncertain whether this variant is neutral or deleterious (REVEL: 0.227). Due to limited information, the clinical significance of this variant is uncertain at this time.